The following is an entry in ClinVar:

ClinVar aggregate classification (germline): Pathogenic (1 of 4 stars; one submission).

Submission:

Labcorp Genetics (formerly Invitae), Labcorp
Classification: Pathogenic. Last evaluated: 2024-11-19. Review status: criteria provided, single submitter. Criteria: Invitae Variant Classification Sherloc (09022015). Collection method: clinical testing. Allele origin: germline.
Comment: This sequence change creates a premature translational stop signal (p.Trp388*) in the RHAG gene. It is expected to result in an absent or disrupted protein product. Loss-of-function variants in RHAG are known to be pathogenic (PMID: 9759472, 28470789). This variant is not present in population databases (gnomAD no frequency). This variant has not been reported in the literature in individuals affected with RHAG-related conditions. Algorithms developed to predict the effect of sequence changes on RNA splicing suggest that this variant may disrupt the consensus splice site. For these reasons, this variant has been classified as Pathogenic.

Literature cited by the submitters: PubMed 9759472; PubMed 28470789.

NM_000324.3(RHAG):c.1163G>A (p.Trp388Ter)

Gene: RHAG (Rh associated glycoprotein; minus strand). Cytogenetic location: 6p12.3.
Variant type: single nucleotide variant.
Coding change: c.1163G>A on transcript NM_000324.3 (MANE Select); coding-DNA position 1163, G replaced by A.
Protein change: p.Trp388Ter; replaces tryptophan 388 with a stop codon.
Molecular consequence: nonsense.
Genome position (GRCh38, 1-based): chr6:49,606,897, C>T on the plus strand (G>A on the coding strand, the complement: RHAG is on the minus strand). VCF-style: chr6-49606897-C-T. GRCh37 (hg19) VCF-style: chr6-49574610-C-T.
Other names: short protein forms W388*.
Identifiers: ClinVar variation 3725598 (VCV003725598.2).